The following is an entry in ClinVar:

ClinVar aggregate classification (germline): Uncertain significance. Review status: criteria provided, multiple submitters, no conflicts (2 of 4 stars). 2 submissions from 2 submitters: Uncertain significance (2). Last evaluated 2023-05-22.

Conditions:
Hypertrophic cardiomyopathy. Also called: HYPERTROPHIC MYOCARDIOPATHY. Identifiers: Orphanet 217569, MedGen C0007194, MeSH D002312, MONDO:0005045, HP:0001639.
Cardiovascular phenotype. Identifiers: MedGen CN230736.

Allele frequency attached by ClinVar (database versions not stated): gnomAD exomes below 0.00001.
gnomAD v4.1: 1 of 1,614,198 alleles (0.000062%); highest among the groups gnomAD compares: East Asian, 0.0022%; no homozygotes.

Submissions (2):

Ambry Genetics
Classification: Uncertain significance for Cardiovascular phenotype. Last evaluated: 2023-05-22. Review status: criteria provided, single submitter. Criteria: Ambry Variant Classification Scheme 2023. Collection method: clinical testing. Allele origin: germline.
Comment: The p.E72G variant (also known as c.215A>G), located in coding exon 2 of the TPM1 gene, results from an A to G substitution at nucleotide position 215. The glutamic acid at codon 72 is replaced by glycine, an amino acid with similar properties. This amino acid position is conserved. In addition, the in silico prediction for this alteration is inconclusive. Since supporting evidence is limited at this time, the clinical significance of this alteration remains unclear.

Labcorp Genetics (formerly Invitae), Labcorp
Classification: Uncertain significance for Hypertrophic cardiomyopathy. Last evaluated: 2018-10-26. Review status: criteria provided, single submitter. Criteria: Invitae Variant Classification Sherloc (09022015). Collection method: clinical testing. Allele origin: germline.
Comment: Algorithms developed to predict the effect of missense changes on protein structure and function (SIFT, PolyPhen-2, Align-GVGD) all suggest that this variant is likely to be tolerated, but these predictions have not been confirmed by published functional studies and their clinical significance is uncertain. In summary, the available evidence is currently insufficient to determine the role of this variant in disease. Therefore, it has been classified as a Variant of Uncertain Significance. This variant has not been reported in the literature in individuals with TPM1-related disease. This variant is not present in population databases (ExAC no frequency). This sequence change replaces glutamic acid with glycine at codon 72 of the TPM1 protein (p.Glu72Gly). The glutamic acid residue is weakly conserved and there is a moderate physicochemical difference between glutamic acid and glycine.

NM_001018005.2(TPM1):c.215A>G (p.Glu72Gly)

Gene: TPM1 (tropomyosin 1; plus strand). Cytogenetic location: 15q22.2.
Variant type: single nucleotide variant.
Coding change: c.215A>G on transcript NM_001018005.2 (MANE Select); coding-DNA position 215, A replaced by G.
Protein change: p.Glu72Gly; replaces glutamic acid 72 with glycine.
Molecular consequence: missense variant. On other transcripts: intron variant (3).
Genome position (GRCh38, 1-based): chr15:63,044,127, A>G. VCF-style: chr15-63044127-A-G. GRCh37 (hg19) VCF-style: chr15-63336326-A-G.
Other names: c.215A>G, p.Glu72Gly (NM_000366.6, NM_001018004.2, NM_001018006.2 and 3 more transcripts); c.341A>G, p.Glu114Gly (NM_001365778.1); c.240+296A>G (NM_001018020.2, NM_001018007.2, NM_001301244.2); short protein forms E114G, E72G.
Identifiers: ClinVar variation 651024 (VCV000651024.10), dbSNP rs1358909905, ClinGen allele CA392718697.